The following is an entry in ClinVar:

NM_003482.4(KMT2D):c.8047C>T (p.Arg2683Cys)

Gene: KMT2D (lysine methyltransferase 2D; minus strand). Cytogenetic location: 12q13.12.
Variant type: single nucleotide variant.
Coding change: c.8047C>T on transcript NM_003482.4 (MANE Select); coding-DNA position 8047, C replaced by T.
Protein change: p.Arg2683Cys; replaces arginine 2683 with cysteine.
Molecular consequence: missense variant.
Genome position (GRCh38, 1-based): chr12:49,039,617, G>A on the plus strand (C>T on the coding strand, the complement: KMT2D is on the minus strand). VCF-style: chr12-49039617-G-A. GRCh37 (hg19) VCF-style: chr12-49433400-G-A.
Other names: short protein forms R2683C.
Identifiers: ClinVar variation 1502932 (VCV001502932.9), dbSNP rs1943388625, ClinGen allele CA384745582.

ClinVar aggregate classification (germline): Uncertain significance. Review status: criteria provided, multiple submitters, no conflicts (2 of 4 stars). 2 submissions from 2 submitters: Uncertain significance (2). Last evaluated 2024-03-13.

Conditions:
Kabuki syndrome 1 (KABUK1). Also called: KMT2D-Related Kabuki Syndrome. Identifiers: Orphanet 2322, MedGen CN030661, MONDO:0007843, OMIM 147920.
Choanal atresia-athelia-hypothyroidism-delayed puberty-short stature syndrome (BCAHH). Also called: BRANCHIAL ARCH ABNORMALITIES, CHOANAL ATRESIA, ATHELIA, HEARING LOSS, AND HYPOTHYROIDISM SYNDROME. Identifiers: Orphanet 589856, MedGen C5680310, MONDO:0035651, OMIM 620186.
Kabuki syndrome. Also called: NIIKAWA-KUROKI SYNDROME; Kabuki make-up syndrome. Identifiers: Orphanet 2322, MedGen C0796004, MONDO:0016512.

Submissions (2):

Fulgent Genetics
Classification: Uncertain significance for Kabuki syndrome 1; Choanal atresia-athelia-hypothyroidism-delayed puberty-short stature syndrome. Last evaluated: 2024-03-13. Review status: criteria provided, single submitter. Criteria: ACMG Guidelines, 2015. Collection method: clinical testing. Allele origin: germline.

Labcorp Genetics (formerly Invitae), Labcorp
Classification: Uncertain significance for Kabuki syndrome. Last evaluated: 2022-01-14. Review status: criteria provided, single submitter. Criteria: Invitae Variant Classification Sherloc (09022015). Collection method: clinical testing. Allele origin: germline.
Comment: In summary, the available evidence is currently insufficient to determine the role of this variant in disease. Therefore, it has been classified as a Variant of Uncertain Significance. Algorithms developed to predict the effect of missense changes on protein structure and function are either unavailable or do not agree on the potential impact of this missense change (SIFT: "Deleterious"; PolyPhen-2: "Probably Damaging"; Align-GVGD: "Class C0"). This missense change has been observed in at least one individual who was not affected with KMT2D-related conditions (Invitae). This variant has not been reported in the literature in individuals affected with KMT2D-related conditions. This variant is not present in population databases (gnomAD no frequency). This sequence change replaces arginine, which is basic and polar, with cysteine, which is neutral and slightly polar, at codon 2683 of the KMT2D protein (p.Arg2683Cys).